The following is an entry in ClinVar:

NM_053025.4(MYLK):c.7G>T (p.Asp3Tyr)

Gene: MYLK (myosin light chain kinase; minus strand). Cytogenetic location: 3q21.1.
Variant type: single nucleotide variant.
Coding change: c.7G>T on transcript NM_053025.4 (MANE Select); coding-DNA position 7, G replaced by T.
Protein change: p.Asp3Tyr; replaces aspartic acid 3 with tyrosine.
Molecular consequence: missense variant. On other transcripts: 5 prime UTR variant (1).
Genome position (GRCh38, 1-based): chr3:123,793,835, C>A on the plus strand (G>T on the coding strand, the complement: MYLK is on the minus strand). VCF-style: chr3-123793835-C-A. GRCh37 (hg19) VCF-style: chr3-123512682-C-A.
Other names: c.-314G>T (NM_001321309.2); c.7G>T, p.Asp3Tyr (NM_053026.4, NM_053027.4, NM_053028.4); short protein forms D3Y.
Identifiers: ClinVar variation 1034761 (VCV001034761.13), dbSNP rs2064882893, ClinGen allele CA354237408.

ClinVar aggregate classification (germline): Uncertain significance. Review status: criteria provided, multiple submitters, no conflicts (2 of 4 stars). 3 submissions from 3 submitters: Uncertain significance (3). Last evaluated 2025-04-17.

Conditions:
Aortic aneurysm, familial thoracic 7 (AAT7). Also called: AORTIC DISSECTION, FAMILIAL, WITH OR WITHOUT AORTIC ANEURYSM. Identifiers: MedGen C3151077, MONDO:0013418, OMIM 613780.
Familial thoracic aortic aneurysm and aortic dissection (TAAD). Also called: Thoracic aortic aneurysms and dissections. Identifiers: Orphanet 91387, MedGen C4707243, MONDO:0019625.

Submissions (3):

Labcorp Genetics (formerly Invitae), Labcorp
Classification: Uncertain significance for Aortic aneurysm, familial thoracic 7. Last evaluated: 2025-04-17. Review status: criteria provided, single submitter. Criteria: Invitae Variant Classification Sherloc (09022015). Collection method: clinical testing. Allele origin: germline.
Comment: This sequence change replaces aspartic acid, which is acidic and polar, with tyrosine, which is neutral and polar, at codon 3 of the MYLK protein (p.Asp3Tyr). This variant is not present in population databases (gnomAD no frequency). This variant has not been reported in the literature in individuals affected with MYLK-related conditions. ClinVar contains an entry for this variant (Variation ID: 1034761). Invitae Evidence Modeling of protein sequence and biophysical properties (such as structural, functional, and spatial information, amino acid conservation, physicochemical variation, residue mobility, and thermodynamic stability) indicates that this missense variant is not expected to disrupt MYLK protein function with a negative predictive value of 95%. In summary, the available evidence is currently insufficient to determine the role of this variant in disease. Therefore, it has been classified as a Variant of Uncertain Significance.

CHEO Genetics Diagnostic Laboratory, Children's Hospital of Eastern Ontario
Classification: Uncertain significance for Familial thoracic aortic aneurysm and aortic dissection. Last evaluated: 2022-03-23. Review status: criteria provided, single submitter. Criteria: ACMG Guidelines, 2015. Collection method: clinical testing. Allele origin: germline.

GeneDx
Classification: Uncertain significance. Last evaluated: 2020-03-18. Review status: criteria provided, single submitter. Criteria: GeneDx Variant Classification Process June 2021. Collection method: clinical testing. Allele origin: germline. Affected: yes.
Comment: Has not been previously published as pathogenic or benign to our knowledge; Not observed in large population cohorts (Lek et al., 2016); In silico analysis, which includes splice predictors and evolutionary conservation, suggests this variant may impact gene splicing. In the absence of RNA/functional studies, the actual effect of this sequence change is unknown.; In silico analysis, which includes protein predictors and evolutionary conservation, supports that this variant does not alter protein structure/function